The following is an entry in ClinVar:

ClinVar aggregate classification (germline): Pathogenic (1 of 4 stars; one submission).

Conditions:
Microcephaly, normal intelligence and immunodeficiency (NBS). Also called: SEEMANOVA SYNDROME II; Immunodeficiency, microcephaly with normal intelligence; IMMUNODEFICIENCY, MICROCEPHALY, AND CHROMOSOMAL INSTABILITY; Ataxia telangiectasia variant V1; BERLIN BREAKAGE SYNDROME; Nijmegen breakage syndrome. Identifiers: Orphanet 647, MedGen C0398791, MONDO:0009623, OMIM 251260.

Submission:

Labcorp Genetics (formerly Invitae), Labcorp
Classification: Pathogenic for Microcephaly, normal intelligence and immunodeficiency. Last evaluated: 2022-10-12. Review status: criteria provided, single submitter. Criteria: Invitae Variant Classification Sherloc (09022015). Collection method: clinical testing. Allele origin: germline.
Comment: For these reasons, this variant has been classified as Pathogenic. Retrotransposon insertions including LINE1 (L1), Alu, and SVA (SINE-VNTR-Alu) have been reported to be disease-causing through disruption of either a coding region or splice site (PMID: 19763152, 20307669, 22406018) and loss-of-function variants in NBN are known to be pathogenic (PMID: 9590180, 16415040). This variant has not been reported in the literature in individuals affected with NBN-related conditions. This sequence change inserts a large fragment of DNA, likely a transposable element, in exon 11 of the NBN gene (c.1778_1779ins?), causing a frameshift at codon 594 (p.Arg594fs). The exact size and sequence of the insertion cannot be determined by the current assay. However, the insertion is expected to result in an absent or disrupted protein product.

Literature cited by the submitters: PubMed 19763152; PubMed 20307669; PubMed 22406018; PubMed 9590180; PubMed 16415040.

NM_002485.5(NBN):c.1778_1779insGGCCGGGCGCGGTGGCTCACGCCTGTAATCCCAGCACTTTGGGAGGCCGAGGCGGGTGGATCATGAGGTCAGGAGATCGAGACCATCCTGGCTAACAAGGTGAAACCCCNNNNNNNNNNAAAAAAAAAAAAAAAAAAAAGAAAAAGGCC (p.Pro593_Arg594insAlaGlyArgGlyGlySerArgLeuTer)

Gene: NBN (nibrin; minus strand). Cytogenetic location: 8q21.3.
Variant type: Insertion.
Coding change: c.1778_1779insGGCCGGGCGCGGTGGCTCACGCCTGTAATCCCAGCACTTTGGGAGGCCGAGGCGGGTGGATCATGAGGTCAGGAGATCGAGACCATCCTGGCTAACAAGGTGAAACCCCNNNNNNNNNNAAAAAAAAAAAAAAAAAAAAGAAAAAGGCC on transcript NM_002485.5 (MANE Select); coding-DNA positions 1778 to 1779, GGCCGGGCGCGGTGGCTCACGCCTGTAATCCCAGCACTTTGGGAGGCCGAGGCGGGTGGATCATGAGGTCAGGAGATCGAGACCATCCTGGCTAACAAGGTGAAACCCCNNNNNNNNNNAAAAAAAAAAAAAAAAAAAAGAAAAAGGCC inserted.
Protein change: p.Pro593_Arg594insAlaGlyArgGlyGlySerArgLeuTer.
Molecular consequence: nonsense, inframe insertion.
Genome position: GRCh38: chr8:89,953,321-89,953,322. GRCh37 (hg19): chr8:90,965,549-90,965,550.
Other names: c.1532_1533insGGCCGGGCGCGGTGGCTCACGCCTGTAATCCCAGCACTTTGGGAGGCCGAGGCGGGTGGATCATGAGGTCAGGAGATCGAGACCATCCTGGCTAACAAGGTGAAACCCCNNNNNNNNNNAAAAAAAAAAAAAAAAAAAAGAAAAAGGCC, p.Pro511_Arg512insAlaGlyArgGlyGlySerArgLeuTer (NM_001024688.3).
Identifiers: ClinVar variation 1076528 (VCV001076528.8), dbSNP rs2129696816.